The following is an entry in ClinVar:

ClinVar aggregate classification (germline): Benign/Likely benign. Review status: criteria provided, multiple submitters, no conflicts (2 of 4 stars). 4 submissions from 4 submitters: Benign (2); Likely benign (2). Last evaluated 2026-03-01.

Conditions:
Epileptic encephalopathy. Identifiers: MedGen C0543888, HP:0200134.

Allele frequency attached by ClinVar (database versions not stated): ExAC 0.00009; gnomAD exomes 0.00011 and 0.00016; gnomAD 0.00021; TOPMed 0.00029; ESP Exome Variant Server 0.00031; 1000 Genomes Project 0.00040; 1000 Genomes Project 30x 0.00062.
gnomAD v4.1: 190 of 1,613,680 alleles (0.012%); highest among the groups gnomAD compares: African/African-American, 0.061%; no homozygotes.

Submissions (4):

CeGaT Center for Human Genetics Tuebingen
Classification: Likely benign. Last evaluated: 2026-03-01. Review status: criteria provided, single submitter. Criteria: CeGaT Center For Human Genetics Tuebingen Variant Classification Criteria Version 2. Collection method: clinical testing. Allele origin: germline. Affected: yes. Observed: 2 variant alleles.
Comment: GABBR2: BP4, BP7

Labcorp Genetics (formerly Invitae), Labcorp
Classification: Likely benign for Epileptic encephalopathy. Last evaluated: 2026-01-19. Review status: criteria provided, single submitter. Criteria: Invitae Variant Classification Sherloc (09022015). Collection method: clinical testing. Allele origin: germline.

ARUP Laboratories, Molecular Genetics and Genomics, ARUP Laboratories
Classification: Benign. Last evaluated: 2025-03-06. Review status: criteria provided, single submitter. Criteria: ARUP Molecular Germline Variant Investigation Process 2024. Collection method: clinical testing. Allele origin: germline.

GeneDx
Classification: Benign. Last evaluated: 2020-05-27. Review status: criteria provided, single submitter. Criteria: GeneDx Variant Classification Process June 2021. Collection method: clinical testing. Allele origin: germline. Affected: yes.

NM_005458.8(GABBR2):c.330C>T (p.Asn110=)

Gene: GABBR2 (gamma-aminobutyric acid type B receptor subunit 2; minus strand). Cytogenetic location: 9q22.33.
Variant type: single nucleotide variant.
Coding change: c.330C>T on transcript NM_005458.8 (MANE Select); coding-DNA position 330, C replaced by T.
Protein change: p.Asn110=; no amino-acid change (asparagine 110 retained).
Molecular consequence: synonymous variant.
Genome position (GRCh38, 1-based): chr9:98,578,064, G>A on the plus strand (C>T on the coding strand, the complement: GABBR2 is on the minus strand). VCF-style: chr9-98578064-G-A. GRCh37 (hg19) VCF-style: chr9-101340346-G-A.
Identifiers: ClinVar variation 707568 (VCV000707568.18), dbSNP rs139594158, ClinGen allele CA5153013.
Genomic context (GRCh38, chr9:98,578,064, plus strand): 5'-CACCATCAAGTGGTTAGGCCCGTATTTTATTGCATCGTAGAAGGCTTTCAACCCTTTTGC[G>A]TTGTCGCACTGGGAAGCAACACATAGAAAGAAAGGTCCAAATTAGAAACAGCTTTTCCCC-3'
Protein context (NP_005449.5, residues 100-120): DLRLYDTECD[Asn110=]AKGLKAFYDA